The following is an entry in ClinVar:

NM_054021.2(GPR101):c.17C>G (p.Thr6Ser)

Gene: GPR101 (G protein-coupled receptor 101; minus strand). Cytogenetic location: Xq26.3.
Variant type: single nucleotide variant.
Coding change: c.17C>G on transcript NM_054021.2 (MANE Select); coding-DNA position 17, C replaced by G.
Protein change: p.Thr6Ser; replaces threonine 6 with serine.
Molecular consequence: missense variant.
Genome position (GRCh38, 1-based): chrX:137,031,658, G>C on the plus strand (C>G on the coding strand, the complement: GPR101 is on the minus strand). VCF-style: chrX-137031658-G-C. GRCh37 (hg19) VCF-style: chrX-136113817-G-C.
Other names: short protein forms T6S.
Identifiers: ClinVar variation 3068797 (VCV003068797.2), dbSNP rs1272834556, ClinGen allele CA414768925.

ClinVar aggregate classification (germline): Uncertain significance (1 of 4 stars; one submission).

Allele frequency attached by ClinVar (database versions not stated): gnomAD exomes below 0.00001; gnomAD 0.00002.
gnomAD v4.1: 11 of 1,184,630 alleles (0.00093%); highest among the groups gnomAD compares: African/African-American, 0.0018%; no homozygotes.

Submission:

Women's Health and Genetics/Laboratory Corporation of America, LabCorp
Classification: Uncertain significance. Last evaluated: 2024-02-22. Review status: criteria provided, single submitter. Criteria: LabCorp Variant Classification Summary - May 2015. Collection method: clinical testing. Allele origin: germline.
Comment: Variant summary: GPR101 c.17C>G (p.Thr6Ser) results in a conservative amino acid change in the encoded protein sequence. Five of five in-silico tools predict a benign effect of the variant on protein function. The frequency data for this variant in gnomAD is considered unreliable, as metrics indicate poor data quality at this position. To our knowledge, no occurrence of c.17C>G in individuals affected with Pituitary Adenoma, Growth Hormone-Secreting, 2 and no experimental evidence demonstrating its impact on protein function have been reported. No submitters have cited clinical-significance assessments for this variant to ClinVar. Based on the evidence outlined above, the variant was classified as uncertain significance.